The following is an entry in ClinVar:

NM_020699.4(GATAD2B):c.376A>G (p.Ile126Val)

Gene: GATAD2B (GATA zinc finger domain containing 2B; minus strand). Cytogenetic location: 1q21.3.
Variant type: single nucleotide variant.
Coding change: c.376A>G on transcript NM_020699.4 (MANE Select); coding-DNA position 376, A replaced by G.
Protein change: p.Ile126Val; replaces isoleucine 126 with valine.
Molecular consequence: missense variant.
Genome position (GRCh38, 1-based): chr1:153,819,695, T>C on the plus strand (A>G on the coding strand, the complement: GATAD2B is on the minus strand). VCF-style: chr1-153819695-T-C. GRCh37 (hg19) VCF-style: chr1-153792171-T-C.
Other names: short protein forms I126V.
Identifiers: ClinVar variation 3021637 (VCV003021637.3), dbSNP rs139746825, ClinGen allele CA30710998.
Genomic context (GRCh38, chr1:153,819,695, plus strand): 5'-GTCTTTCTTCCATTCTGGAACTGGAACGGGGACTGGAAGCCTCATTGTCAGACAAAACAA[T>C]GATGTCTGGTGAGGGAGTTAGCCTTCCTCGCTCTGGCTCACTAGACAAGAAAGGGAAAAA-3'
Protein context (NP_065750.1, residues 116-136): RGRLTPSPDI[Ile126Val]VLSDNEASSP

ClinVar aggregate classification (germline): Uncertain significance (1 of 4 stars; one submission).

Allele frequency attached by ClinVar (database versions not stated): gnomAD exomes below 0.00001; ESP Exome Variant Server 0.00015; gnomAD 0.00003; TOPMed 0.00003.
gnomAD v4.1: 7 of 1,611,116 alleles (0.00043%); highest among the groups gnomAD compares: African/African-American, 0.0013%; no homozygotes.

Submission:

Labcorp Genetics (formerly Invitae), Labcorp
Classification: Uncertain significance. Last evaluated: 2025-11-24. Review status: criteria provided, single submitter. Criteria: Invitae Variant Classification Sherloc (09022015). Collection method: clinical testing. Allele origin: germline.
Comment: This sequence change replaces isoleucine, which is neutral and non-polar, with valine, which is neutral and non-polar, at codon 126 of the GATAD2B protein (p.Ile126Val). This variant is not present in population databases (gnomAD no frequency). This variant has not been reported in the literature in individuals affected with GATAD2B-related conditions. ClinVar contains an entry for this variant (Variation ID: 3021637). Invitae Evidence Modeling of protein sequence and biophysical properties (such as structural, functional, and spatial information, amino acid conservation, physicochemical variation, residue mobility, and thermodynamic stability) indicates that this missense variant is not expected to disrupt GATAD2B protein function with a negative predictive value of 80%. In summary, the available evidence is currently insufficient to determine the role of this variant in disease. Therefore, it has been classified as a Variant of Uncertain Significance.